The following is an entry in ClinVar:

ClinVar aggregate classification (germline): Likely benign (1 of 4 stars; one submission).

Submission:

CeGaT Center for Human Genetics Tuebingen
Classification: Likely benign. Last evaluated: 2026-08-01. Review status: criteria provided, single submitter. Criteria: CeGaT Center For Human Genetics Tuebingen Variant Classification Criteria Version 2. Collection method: clinical testing. Allele origin: germline. Affected: yes. Observed: 4 variant alleles.
Comment: BTBD17: PM2:Supporting, BP4, BP7

NM_001080466.2(BTBD17):c.804G>T (p.Leu268=)

Gene: BTBD17 (BTB domain containing 17; minus strand). Cytogenetic location: 17q25.1.
Variant type: single nucleotide variant.
Coding change: c.804G>T on transcript NM_001080466.2 (MANE Select); coding-DNA position 804, G replaced by T.
Protein change: p.Leu268=; no amino-acid change (leucine 268 retained).
Molecular consequence: synonymous variant.
Genome position (GRCh38, 1-based): chr17:74,357,290, C>A on the plus strand (G>T on the coding strand, the complement: BTBD17 is on the minus strand). VCF-style: chr17-74357290-C-A. GRCh37 (hg19) VCF-style: chr17-72353429-C-A.
Identifiers: ClinVar variation 3250686 (VCV003250686.18), dbSNP rs776710120.